The following is an entry in ClinVar:

ClinVar aggregate classification (germline): Pathogenic. Review status: criteria provided, single submitter (1 of 4 stars). 2 submissions from 2 submitters: Pathogenic (1). 1 of the submissions does not count toward it. Last evaluated 2020-03-03.

Conditions:
Usher syndrome type 1B (USH1B). Also called: Usher syndrome type IB. Identifiers: MedGen C1848638, MONDO:0700087.

Allele frequency attached by ClinVar (database versions not stated): gnomAD exomes below 0.00001; TOPMed 0.00001.
gnomAD v4.1: 1 of 1,610,872 alleles (0.000062%); highest among the groups gnomAD compares: Non-Finnish European, 0.000085%; no homozygotes.

Submissions (2):

Labcorp Genetics (formerly Invitae), Labcorp
Classification: Pathogenic. Last evaluated: 2020-03-03. Review status: criteria provided, single submitter. Criteria: Invitae Variant Classification Sherloc (09022015). Collection method: clinical testing. Allele origin: germline.
Comment: This sequence change affects a donor splice site in intron 9 of the MYO7A gene. It is expected to disrupt RNA splicing and likely results in an absent or disrupted protein product. This variant is not present in population databases (ExAC no frequency). This variant has been observed in individual(s) with clinical features of Usher syndrome (PMID: 30029497). In at least one individual the data is consistent with the variant being in trans (on the opposite chromosome) from a pathogenic variant. For these reasons, this variant has been classified as Pathogenic. Donor and acceptor splice site variants typically lead to a loss of protein function (PMID: 16199547), and loss-of-function variants in MYO7A are known to be pathogenic (PMID: 8900236, 25404053). Algorithms developed to predict the effect of sequence changes on RNA splicing suggest that this variant may disrupt the consensus splice site, but this prediction has not been confirmed by published transcriptional studies.

Natera, Inc.
Classification: Pathogenic for Usher syndrome type 1B. Last evaluated: 2021-07-01. Review status: no assertion criteria provided. Collection method: clinical testing. Allele origin: germline. Not counted in ClinVar's aggregate classification.

Literature cited by the submitters: PubMed 30029497 (cited by Labcorp Genetics (formerly Invitae), Labcorp); PubMed 16199547 (cited by Labcorp Genetics (formerly Invitae), Labcorp); PubMed 8900236 (cited by Labcorp Genetics (formerly Invitae), Labcorp); PubMed 25404053 (cited by Labcorp Genetics (formerly Invitae), Labcorp).

NM_000260.4(MYO7A):c.1003+1G>A

Gene: MYO7A (myosin VIIA; plus strand). Cytogenetic location: 11q13.5.
Variant type: single nucleotide variant.
Coding change: c.1003+1G>A on transcript NM_000260.4 (MANE Select); the canonical splice donor site of the intron after coding-DNA position 1003, G replaced by A.
Molecular consequence: splice donor variant.
Genome position (GRCh38, 1-based): chr11:77,158,431, G>A. VCF-style: chr11-77158431-G-A. GRCh37 (hg19) VCF-style: chr11-76869477-G-A.
Other names: c.970+1G>A (NM_001369365.1); c.1003+1G>A (NM_001127180.2).
Identifiers: ClinVar variation 1074479 (VCV001074479.10), dbSNP rs1952694662, ClinGen allele CA381933328.